The following is an entry in ClinVar:

ClinVar aggregate classification (germline): Uncertain significance (1 of 4 stars; one submission).

gnomAD v4.1: 1 of 1,613,994 alleles (0.000062%); highest among the groups gnomAD compares: East Asian, 0.0022%; no homozygotes.

Submission:

Labcorp Genetics (formerly Invitae), Labcorp
Classification: Uncertain significance. Last evaluated: 2022-06-27. Review status: criteria provided, single submitter. Criteria: Invitae Variant Classification Sherloc (09022015). Collection method: clinical testing. Allele origin: germline.
Comment: In summary, the available evidence is currently insufficient to determine the role of this variant in disease. Therefore, it has been classified as a Variant of Uncertain Significance. Algorithms developed to predict the effect of missense changes on protein structure and function are either unavailable or do not agree on the potential impact of this missense change (SIFT: "Deleterious"; PolyPhen-2: "Benign"; Align-GVGD: "Class C0"). ClinVar contains an entry for this variant (Variation ID: 1001799). This variant has not been reported in the literature in individuals affected with KCNV2-related conditions. This variant is not present in population databases (gnomAD no frequency). This sequence change replaces proline, which is neutral and non-polar, with arginine, which is basic and polar, at codon 541 of the KCNV2 protein (p.Pro541Arg).

NM_133497.4(KCNV2):c.1622C>G (p.Pro541Arg)

Gene: KCNV2 (potassium voltage-gated channel modifier subfamily V member 2; plus strand). Cytogenetic location: 9p24.2.
Variant type: single nucleotide variant.
Coding change: c.1622C>G on transcript NM_133497.4 (MANE Select); coding-DNA position 1622, C replaced by G.
Protein change: p.Pro541Arg; replaces proline 541 with arginine.
Molecular consequence: missense variant.
Genome position (GRCh38, 1-based): chr9:2,729,711, C>G. VCF-style: chr9-2729711-C-G. GRCh37 (hg19) VCF-style: chr9-2729711-C-G.
Other names: short protein forms P541R.
Identifiers: ClinVar variation 1001799 (VCV001001799.9), dbSNP rs543865855, ClinGen allele CA372803859.